The following is an entry in ClinVar:

ClinVar aggregate classification (germline): Uncertain significance (1 of 4 stars; one submission).

Submission:

Labcorp Genetics (formerly Invitae), Labcorp
Classification: Uncertain significance. Last evaluated: 2023-10-13. Review status: criteria provided, single submitter. Criteria: Invitae Variant Classification Sherloc (09022015). Collection method: clinical testing. Allele origin: germline.
Comment: This sequence change replaces proline, which is neutral and non-polar, with serine, which is neutral and polar, at codon 180 of the AGBL5 protein (p.Pro180Ser). This variant is not present in population databases (gnomAD no frequency). This variant has not been reported in the literature in individuals affected with AGBL5-related conditions. ClinVar contains an entry for this variant (Variation ID: 1401127). Algorithms developed to predict the effect of missense changes on protein structure and function output the following: SIFT: "Not Available"; PolyPhen-2: "Benign"; Align-GVGD: "Not Available". The serine amino acid residue is found in multiple mammalian species, which suggests that this missense change does not adversely affect protein function. In summary, the available evidence is currently insufficient to determine the role of this variant in disease. Therefore, it has been classified as a Variant of Uncertain Significance.

NM_021831.6(AGBL5):c.538C>T (p.Pro180Ser)

Gene: AGBL5 (AGBL carboxypeptidase 5; plus strand). Cytogenetic location: 2p23.3.
Variant type: single nucleotide variant.
Coding change: c.538C>T on transcript NM_021831.6 (MANE Select); coding-DNA position 538, C replaced by T.
Protein change: p.Pro180Ser; replaces proline 180 with serine.
Molecular consequence: missense variant. On other transcripts: non-coding transcript variant (2).
Genome position (GRCh38, 1-based): chr2:27,054,046, C>T. VCF-style: chr2-27054046-C-T. GRCh37 (hg19) VCF-style: chr2-27276914-C-T.
Other names: c.538C>T, p.Pro180Ser (NM_001035507.3); short protein forms P180S.
Identifiers: ClinVar variation 1401127 (VCV001401127.8), dbSNP rs2148270933, ClinGen allele CA346172333.
Genomic context (GRCh38, chr2:27,054,046, plus strand): 5'-TCCTACAGTGACTGCCAGGAACTGCTAAACCAGCTAGACCAGCGCTTTCCGGAGAACCAC[C>T]CTACCCATAGCAGGTGCCAGCCCCATTCTTACTCCTGCCACACAGTCCTGGATCAGACAG-3'
Protein context (NP_068603.4, residues 170-190): QLDQRFPENH[Pro180Ser]THSSPLDTIY